The following is an entry in ClinVar:

ClinVar aggregate classification (germline): Uncertain significance (1 of 4 stars; one submission).

Conditions:
Inborn genetic diseases. Identifiers: MedGen C0950123, MeSH D030342.

Submission:

Ambry Genetics
Classification: Uncertain significance for Inborn genetic diseases. Last evaluated: 2025-07-28. Review status: criteria provided, single submitter. Criteria: Ambry Variant Classification Scheme 2023. Collection method: clinical testing. Allele origin: germline.
Comment: The p.E480K variant (also known as c.1438G>A), located in coding exon 14 of the DDX41 gene, results from a G to A substitution at nucleotide position 1438. The glutamic acid at codon 480 is replaced by lysine, an amino acid with similar properties. This amino acid position is conserved. In addition, the in silico prediction for this alteration is inconclusive. Based on the available evidence, the clinical significance of this variant remains unclear.

NM_016222.4(DDX41):c.1438G>A (p.Glu480Lys)

Gene: DDX41 (DEAD-box helicase 41; minus strand). Cytogenetic location: 5q35.3.
Variant type: single nucleotide variant.
Coding change: c.1438G>A on transcript NM_016222.4 (MANE Select); coding-DNA position 1438, G replaced by A.
Protein change: p.Glu480Lys; replaces glutamic acid 480 with lysine.
Molecular consequence: missense variant.
Genome position (GRCh38, 1-based): chr5:177,512,607, C>T on the plus strand (G>A on the coding strand, the complement: DDX41 is on the minus strand). VCF-style: chr5-177512607-C-T. GRCh37 (hg19) VCF-style: chr5-176939608-C-T.
Other names: c.1060G>A, p.Glu354Lys (NM_001321732.2, NM_001321830.2); short protein forms E480K, E354K.
Identifiers: ClinVar variation 4238782 (VCV004238782.1).